The following is an entry in ClinVar:

NM_000321.3(RB1):c.1421+12_1421+32del

Gene: RB1 (RB transcriptional corepressor 1; plus strand). Cytogenetic location: 13q14.2.
Variant type: Deletion.
Coding change: c.1421+12_1421+32del on transcript NM_000321.3 (MANE Select); bases 12 to 32 of the intron after coding-DNA position 1421, 21 bases deleted (ACTTTTAGTAAAAAATTTTTT).
Molecular consequence: intron variant.
Genome position (GRCh38, 1-based): chr13:48,380,096-48,380,116, ACTTTTAGTAAAAAATTTTTT deleted; deleting any 21 consecutive bases within chr13:48,380,087-48,380,116 gives the same sequence; the c. name uses the placement nearest the transcript's 3' end. VCF-style (leftmost placement, unchanged base first): chr13-48380086-TAAATTTTTTACTTTTAGTAAA-T. GRCh37 (hg19) VCF-style: chr13-48954222-TAAATTTTTTACTTTTAGTAAA-T.
Other names: c.1421+12_1421+32delACTTTTAGTAAAAAATTTTTT (NM_000321.2).
Identifiers: ClinVar variation 139569 (VCV000139569.1), dbSNP rs587781256, ClinGen allele CA269950.

ClinVar aggregate classification (germline): Likely pathogenic. Review status: criteria provided, single submitter (1 of 4 stars). 2 submissions from 2 submitters: Likely pathogenic (1). 1 of the submissions does not count toward it. Last evaluated 2017-01-24.

Conditions:
Hereditary cancer-predisposing syndrome. Also called: Neoplastic Syndromes, Hereditary; Tumor predisposition; Hereditary Cancer Syndrome; Hereditary neoplastic syndrome. Identifiers: Orphanet 140162, MedGen C0027672, MeSH D009386, MONDO:0015356.
Retinoblastoma (RB1). Also called: RETINOBLASTOMA, SOMATIC. Identifiers: Orphanet 790, MedGen C0035335, MeSH D012175, MONDO:0008380, OMIM 180200, HP:0009919. Disease mechanism: loss of function. Inheritance: Both sporadic and heritable forms are tested..

Submissions (2):

Women's Health and Genetics/Laboratory Corporation of America, LabCorp
Classification: Likely pathogenic for Hereditary cancer-predisposing syndrome. Last evaluated: 2017-01-24. Review status: criteria provided, single submitter. Criteria: LabCorp Variant Classification Summary - May 2015. Collection method: clinical testing. Allele origin: germline.
Comment: Variant summary: The RB1 c.1421+12_1421+32delACTTTTAGTAAAAAATTTTTT variant leads to deletion of 21 nucleotides in intron 15. Mutation Taster predicts a disease-causing outcome for this variant. 4/5 splice prediction tools predict creation of a cryptic splice acceptor site. This variant is absent in 23000 control chromosomes from ExAC. Intron 15 of this gene is particularly noted for its small size and presence of many variants in this intron that are known to affect splicing and cause disease (e.g. c.1412_1421+14del, c.1420_1421+28del, c.1420_1421+30del, c.1421+3_1421+23del, c.1421+3_1421+30del, c.1421+18_1421+32del15, c.1421+18_1421+33del16, c.1421+18_1421+38del, c.1421+20_1421+33del, etc. Ref. LOVD). The variant of interest, c.1421+12_1421+32del, has been reported from a study in one patient with retinoblastoma (Liu_1995). Another study (Whitworth_2015) also reports this variant in patient series with multiple primary malignant tumours, however, specific phenotype and number of occurrences are not provided. One clinical diagnostic laboratory has classified this variant as pathogenic. Taken together, this variant is classified as likely pathogenic.

Medical Molecular Genetics, University of Birmingham
Classification: Pathogenic for Retinoblastoma. Last evaluated: 2008-12-01. Review status: no assertion criteria provided. Collection method: clinical testing. Allele origin: germline. Inheritance: Autosomal dominant inheritance. Affected: yes. Not counted in ClinVar's aggregate classification.
Comment: Clinically treated as causative